The following is an entry in ClinVar:

ClinVar aggregate classification (germline): Likely benign (1 of 4 stars; one submission).

Conditions:
Malignant hyperthermia, susceptibility to, 1 (MHS1). Also called: Anesthesia related hyperthermia; Malignant hyperpyrexia; Fulminating hyperpyrexia; Pharmacogenic myopathy; RYR1-Related Malignant Hyperthermia Susceptibility; Malignant hyperthermia suceptibility 1. Identifiers: Orphanet 423, MedGen C2930980, MONDO:0007783, OMIM 145600.

Submission:

All of Us Research Program, National Institutes of Health
Classification: Likely benign for Malignant hyperthermia, susceptibility to, 1. Last evaluated: 2023-11-02. Review status: criteria provided, single submitter. Criteria: ACMG Guidelines, 2015. Collection method: clinical testing. Allele origin: germline. Inheritance: Autosomal dominant inheritance. Observed: 1 variant allele, 1 heterozygote.
Comment: This study involves interpretation of variants in research participants for the purpose of population health screening. Participant phenotype was not available at the time of variant classification. Additional details can be found in publication PMID: 35346344, PMCID: PMC8962531

NM_000540.3(RYR1):c.14482C>T (p.Leu4828=)

Gene: RYR1 (ryanodine receptor 1; plus strand). Cytogenetic location: 19q13.2.
Variant type: single nucleotide variant.
Coding change: c.14482C>T on transcript NM_000540.3 (MANE Select); coding-DNA position 14482, C replaced by T.
Protein change: p.Leu4828=; no amino-acid change (leucine 4828 retained).
Molecular consequence: synonymous variant.
Genome position (GRCh38, 1-based): chr19:38,580,099, C>T. VCF-style: chr19-38580099-C-T. GRCh37 (hg19) VCF-style: chr19-39070739-C-T.
Other names: c.14467C>T, p.Leu4823= (NM_001042723.2).
Identifiers: ClinVar variation 3074280 (VCV003074280.1), dbSNP rs2514749286, ClinGen allele CA507356076.